The following is an entry in ClinVar:

NM_032536.4(NTNG2):c.990C>T (p.Ala330=)

Gene: NTNG2 (netrin G2; plus strand). Cytogenetic location: 9q34.13.
Variant type: single nucleotide variant.
Coding change: c.990C>T on transcript NM_032536.4 (MANE Select); coding-DNA position 990, C replaced by T.
Protein change: p.Ala330=; no amino-acid change (alanine 330 retained).
Molecular consequence: synonymous variant.
Genome position (GRCh38, 1-based): chr9:132,226,981, C>T. VCF-style: chr9-132226981-C-T. GRCh37 (hg19) VCF-style: chr9-135102368-C-T.
Identifiers: ClinVar variation 4821406 (VCV004821406.4).

ClinVar aggregate classification (germline): Likely benign (1 of 4 stars; one submission).

gnomAD v4.1: 157 of 1,610,102 alleles (0.0098%); highest among the groups gnomAD compares: Admixed American, 0.017%; no homozygotes.

Submission:

CeGaT Center for Human Genetics Tuebingen
Classification: Likely benign. Last evaluated: 2026-01-01. Review status: criteria provided, single submitter. Criteria: CeGaT Center For Human Genetics Tuebingen Variant Classification Criteria Version 2. Collection method: clinical testing. Allele origin: germline. Affected: yes. Observed: 1 variant allele.
Comment: NTNG2: BP4, BP7